The following is an entry in ClinVar:

NM_001386298.1(CIC):c.7056T>C (p.Gly2352=)

Gene: CIC (capicua transcriptional repressor; plus strand). Cytogenetic location: 19q13.2.
Variant type: single nucleotide variant.
Coding change: c.7056T>C on transcript NM_001386298.1 (MANE Select); coding-DNA position 7056, T replaced by C.
Protein change: p.Gly2352=; no amino-acid change (glycine 2352 retained).
Molecular consequence: synonymous variant.
Genome position (GRCh38, 1-based): chr19:42,294,605, T>C. VCF-style: chr19-42294605-T-C. GRCh37 (hg19) VCF-style: chr19-42798757-T-C.
Other names: c.7056T>C, p.Gly2352= (NM_001304815.2); c.7053T>C, p.Gly2351= (NM_001379480.1, NM_001379482.1, NM_001439183.1); c.4323T>C, p.Arg1441= (NM_001379484.1); c.4320T>C, p.Arg1440= (NM_001379485.1); c.7050T>C, p.Gly2350= (NM_001439184.1, NM_001439185.1); c.7050T>C, p.Arg2350= (NM_001439186.1); c.7047T>C, p.Arg2349= (NM_001439187.1); c.7044T>C, p.Arg2348= (NM_001439188.1); and 3 more.
Identifiers: ClinVar variation 4821727 (VCV004821727.4).

ClinVar aggregate classification (germline): Likely benign (1 of 4 stars; one submission).

Submission:

CeGaT Center for Human Genetics Tuebingen
Classification: Likely benign. Last evaluated: 2026-04-01. Review status: criteria provided, single submitter. Criteria: CeGaT Center For Human Genetics Tuebingen Variant Classification Criteria Version 2. Collection method: clinical testing. Allele origin: germline. Affected: yes. Observed: 1 variant allele.
Comment: CIC: PM2:Supporting, BP4, BP7